The following is an entry in ClinVar:

ClinVar aggregate classification (germline): Uncertain significance. Review status: criteria provided, multiple submitters, no conflicts (2 of 4 stars). 2 submissions from 2 submitters: Uncertain significance (2). Last evaluated 2024-05-13.

Allele frequency attached by ClinVar (database versions not stated): ExAC 0.00001; gnomAD 0.00001; gnomAD exomes 0.00001; TOPMed 0.00002.
gnomAD v4.1: 21 of 1,613,468 alleles (0.0013%); highest among the groups gnomAD compares: Non-Finnish European, 0.0015%; no homozygotes.

Submissions (2):

Labcorp Genetics (formerly Invitae), Labcorp
Classification: Uncertain significance. Last evaluated: 2024-05-13. Review status: criteria provided, single submitter. Criteria: Invitae Variant Classification Sherloc (09022015). Collection method: clinical testing. Allele origin: germline.
Comment: This sequence change replaces threonine, which is neutral and polar, with alanine, which is neutral and non-polar, at codon 754 of the NPAT protein (p.Thr754Ala). This variant is present in population databases (rs758935042, gnomAD 0.007%). This variant has not been reported in the literature in individuals affected with NPAT-related conditions. ClinVar contains an entry for this variant (Variation ID: 1788624). Algorithms developed to predict the effect of missense changes on protein structure and function output the following: SIFT: "Not Available"; PolyPhen-2: "Benign"; Align-GVGD: "Not Available". The alanine amino acid residue is found in multiple mammalian species, which suggests that this missense change does not adversely affect protein function. In summary, the available evidence is currently insufficient to determine the role of this variant in disease. Therefore, it has been classified as a Variant of Uncertain Significance.

Ambry Genetics
Classification: Uncertain significance. Last evaluated: 2024-02-25. Review status: criteria provided, single submitter. Criteria: Ambry Variant Classification Scheme 2023. Collection method: clinical testing. Allele origin: germline.
Comment: The p.T754A variant (also known as c.2260A>G), located in coding exon 13 of the NPAT gene, results from an A to G substitution at nucleotide position 2260. The threonine at codon 754 is replaced by alanine, an amino acid with similar properties. This amino acid position is conserved. In addition, this alteration is predicted to be tolerated by in silico analysis. Since supporting evidence is limited at this time, the clinical significance of this alteration remains unclear.

NM_002519.3(NPAT):c.2260A>G (p.Thr754Ala)

Gene: NPAT (nuclear protein, coactivator of histone transcription; minus strand). Cytogenetic location: 11q22.3.
Variant type: single nucleotide variant.
Coding change: c.2260A>G on transcript NM_002519.3 (MANE Select); coding-DNA position 2260, A replaced by G.
Protein change: p.Thr754Ala; replaces threonine 754 with alanine.
Molecular consequence: missense variant.
Genome position (GRCh38, 1-based): chr11:108,172,724, T>C on the plus strand (A>G on the coding strand, the complement: NPAT is on the minus strand). VCF-style: chr11-108172724-T-C. GRCh37 (hg19) VCF-style: chr11-108043451-T-C.
Other names: c.2260A>G, p.Thr754Ala (NM_001321307.1); short protein forms T754A.
Identifiers: ClinVar variation 1788624 (VCV001788624.4), dbSNP rs758935042, ClinGen allele CA6263846.